The following is an entry in ClinVar:

NM_021620.4(PRDM13):c.679A>G (p.Ile227Val)

Gene: PRDM13 (PR/SET domain 13; plus strand). Cytogenetic location: 6q16.2.
Variant type: single nucleotide variant.
Coding change: c.679A>G on transcript NM_021620.4 (MANE Select); coding-DNA position 679, A replaced by G.
Protein change: p.Ile227Val; replaces isoleucine 227 with valine.
Molecular consequence: missense variant.
Genome position (GRCh38, 1-based): chr6:99,613,314, A>G. VCF-style: chr6-99613314-A-G. GRCh37 (hg19) VCF-style: chr6-100061190-A-G.
Other names: short protein forms I227V.
Identifiers: ClinVar variation 1972715 (VCV001972715.5), dbSNP rs2538544912, ClinGen allele CA365115907.
Genomic context (GRCh38, chr6:99,613,314, plus strand): 5'-ACTTTGCGACCCCACCCCCTGGGCCCGCCACCAGTTCAGGCCTGCGGTGCGCGGGAGGGC[A>G]TCAAGCGCGAGGCCTCTTCCGCGCCCTCGGCCACCTCGCCGACCCCAGGCAAGTGGGGGC-3'
Protein context (NP_067633.2, residues 217-237): PVQACGAREG[Ile227Val]KREASSAPSA

ClinVar aggregate classification (germline): Uncertain significance (1 of 4 stars; one submission).

Submission:

Labcorp Genetics (formerly Invitae), Labcorp
Classification: Uncertain significance. Last evaluated: 2022-09-06. Review status: criteria provided, single submitter. Criteria: Invitae Variant Classification Sherloc (09022015). Collection method: clinical testing. Allele origin: germline.
Comment: In summary, the available evidence is currently insufficient to determine the role of this variant in disease. Therefore, it has been classified as a Variant of Uncertain Significance. Algorithms developed to predict the effect of missense changes on protein structure and function are either unavailable or do not agree on the potential impact of this missense change (SIFT: "Deleterious"; PolyPhen-2: "Benign"; Align-GVGD: "Class C25"). This variant has not been reported in the literature in individuals affected with PRDM13-related conditions. This variant is not present in population databases (gnomAD no frequency). This sequence change replaces isoleucine, which is neutral and non-polar, with valine, which is neutral and non-polar, at codon 227 of the PRDM13 protein (p.Ile227Val).